The following is an entry in ClinVar:

ClinVar aggregate classification (germline): Uncertain significance (1 of 4 stars; one submission).

Submission:

GeneDx
Classification: Uncertain significance. Last evaluated: 2023-04-18. Review status: criteria provided, single submitter. Criteria: GeneDx Variant Classification Process June 2021. Collection method: clinical testing. Allele origin: germline. Affected: yes.
Comment: Not observed at significant frequency in large population cohorts (gnomAD); In-frame duplication of 10 amino acids in a non-repeat region; Has not been previously published as pathogenic or benign to our knowledge

NM_014727.3(KMT2B):c.622_651dup (p.Arg217_Arg218insSerArgAlaCysGluProSerThrProArg)

Gene: KMT2B (lysine methyltransferase 2B; plus strand). Cytogenetic location: 19q13.12.
Variant type: Duplication.
Coding change: c.622_651dup on transcript NM_014727.3 (MANE Select); coding-DNA positions 622 to 651, 30 bases duplicated (AGCCGGGCATGTGAGCCCTCCACCCCCCGG).
Protein change: p.Arg217_Arg218insSerArgAlaCysGluProSerThrProArg.
Molecular consequence: inframe insertion.
Genome position (GRCh38, 1-based): chr19:35,719,969-35,719,998, AGCCGGGCATGTGAGCCCTCCACCCCCCGG duplicated; duplicating any 30 consecutive bases within chr19:35,719,963-35,719,998 gives the same sequence; the c. name uses the placement nearest the transcript's 3' end. VCF-style (leftmost placement, unchanged base first): chr19-35719962-A-ACCCCGGAGCCGGGCATGTGAGCCCTCCACC. GRCh37 (hg19) VCF-style: chr19-36210864-A-ACCCCGGAGCCGGGCATGTGAGCCCTCCACC.
Identifiers: ClinVar variation 2663518 (VCV002663518.1), dbSNP rs2513311675, ClinGen allele CA2695198187.